The following is an entry in ClinVar:

ClinVar aggregate classification (germline): Uncertain significance (1 of 4 stars; one submission).

Conditions:
Arrhythmogenic right ventricular dysplasia 10. Also called: Arrhythmogenic Right Ventricular Dysplasia/Cardiomyopathy10; Arrhythmogenic right ventricular dysplasia/cardiomyopathy, type 10; ARRHYTHMOGENIC RIGHT VENTRICULAR DYSPLASIA, FAMILIAL, 10. Identifiers: MedGen C1857777, MONDO:0012434, OMIM 610193.

Submission:

Labcorp Genetics (formerly Invitae), Labcorp
Classification: Uncertain significance for Arrhythmogenic right ventricular dysplasia 10. Last evaluated: 2024-08-06. Review status: criteria provided, single submitter. Criteria: Invitae Variant Classification Sherloc (09022015). Collection method: clinical testing. Allele origin: germline.
Comment: This sequence change replaces serine, which is neutral and polar, with arginine, which is basic and polar, at codon 566 of the DSG2 protein (p.Ser566Arg). This variant is not present in population databases (gnomAD no frequency). This variant has not been reported in the literature in individuals affected with DSG2-related conditions. ClinVar contains an entry for this variant (Variation ID: 1471202). Advanced modeling of protein sequence and biophysical properties (such as structural, functional, and spatial information, amino acid conservation, physicochemical variation, residue mobility, and thermodynamic stability) performed at Invitae indicates that this missense variant is not expected to disrupt DSG2 protein function with a negative predictive value of 95%. In summary, the available evidence is currently insufficient to determine the role of this variant in disease. Therefore, it has been classified as a Variant of Uncertain Significance.

NM_001943.5(DSG2):c.1696A>C (p.Ser566Arg)

Gene: DSG2 (desmoglein 2; plus strand). Cytogenetic location: 18q12.1.
Variant type: single nucleotide variant.
Coding change: c.1696A>C on transcript NM_001943.5 (MANE Select); coding-DNA position 1696, A replaced by C.
Protein change: p.Ser566Arg; replaces serine 566 with arginine.
Molecular consequence: missense variant.
Genome position (GRCh38, 1-based): chr18:31,538,795, A>C. VCF-style: chr18-31538795-A-C. GRCh37 (hg19) VCF-style: chr18-29118758-A-C.
Other names: short protein forms S566R.
Identifiers: ClinVar variation 1471202 (VCV001471202.6), dbSNP rs2144346505, ClinGen allele CA402137065.
Genomic context (GRCh38, chr18:31,538,795, plus strand): 5'-CCTCCCAACCTTGTAGGTACCAGTGTGCTGCTGCAACAAAGTGAGAAAAAGCTTGGGAGA[A>C]GTGAAATTCAGTTCCTGATTTCAGACAATCAGGGTTTTAGTTGTCCTGAAAAGCAGGTCC-3'
Protein context (NP_001934.2, residues 556-576): LQQSEKKLGR[Ser566Arg]EIQFLISDNQ